The following is an entry in ClinVar:

ClinVar aggregate classification (germline): Uncertain significance (1 of 4 stars; one submission).

Allele frequency attached by ClinVar (database versions not stated): TOPMed below 0.00001; ExAC 0.00002.
gnomAD v4.1: 23 of 1,595,842 alleles (0.0014%); highest among the groups gnomAD compares: Admixed American, 0.0035%; no homozygotes.

Submission:

Labcorp Genetics (formerly Invitae), Labcorp
Classification: Uncertain significance. Last evaluated: 2021-09-02. Review status: criteria provided, single submitter. Criteria: Invitae Variant Classification Sherloc (09022015). Collection method: clinical testing. Allele origin: germline.
Comment: This sequence change replaces serine with arginine at codon 222 of the LAMC3 protein (p.Ser222Arg). The serine residue is highly conserved and there is a moderate physicochemical difference between serine and arginine. This variant is present in population databases (rs759171248, ExAC 0.003%). This variant has not been reported in the literature in individuals affected with LAMC3-related conditions. Algorithms developed to predict the effect of missense changes on protein structure and function (SIFT, PolyPhen-2, Align-GVGD) all suggest that this variant is likely to be disruptive. In summary, the available evidence is currently insufficient to determine the role of this variant in disease. Therefore, it has been classified as a Variant of Uncertain Significance.

NM_006059.4(LAMC3):c.666C>G (p.Ser222Arg)

Gene: LAMC3 (laminin subunit gamma 3; plus strand). Cytogenetic location: 9q34.12.
Variant type: single nucleotide variant.
Coding change: c.666C>G on transcript NM_006059.4 (MANE Select); coding-DNA position 666, C replaced by G.
Protein change: p.Ser222Arg; replaces serine 222 with arginine.
Molecular consequence: missense variant.
Genome position (GRCh38, 1-based): chr9:131,026,577, C>G. VCF-style: chr9-131026577-C-G. GRCh37 (hg19) VCF-style: chr9-133901964-C-G.
Other names: short protein forms S222R.
Identifiers: ClinVar variation 1422309 (VCV001422309.5), dbSNP rs759171248, ClinGen allele CA5286756.